The following is an entry in ClinVar:

ClinVar aggregate classification (germline): Benign (1 of 4 stars; one submission).

Conditions:
Leigh syndrome (NULS). Also called: Leigh's necrotizing encephalopathy; Leigh's disease; Leigh Syndrome (mtDNA deletion); Leigh Disease; Subacute necrotizing encephalopathy; Necrotizing encephalopathy infantile subacute of Leigh. Identifiers: Orphanet 506, MedGen C2931891, MONDO:0009723, OMIM 256000.

Submission:

Wong Mito Lab, Molecular and Human Genetics, Baylor College of Medicine
Classification: Benign for Leigh syndrome. Last evaluated: 2019-10-17. Review status: criteria provided, single submitter. Criteria: Modified ACMG Guidelines (Unpublished). Collection method: clinical testing. Allele origin: germline.
Comment: The NC_012920.1:m.6345T>C (YP_003024028.1:p.Phe148Leu) variant in MTCO1 gene is interpretated to be a Benign variant based on the modified ACMG guidelines (unpublished). This variant meets the following evidence codes: BS1, BS2

NC_012920.1(MT-CO1):m.6345T>C

Gene: MT-CO1 (mitochondrially encoded cytochrome c oxidase I; plus strand).
Variant type: single nucleotide variant.
Genome position: chrM-6345-T-C.
Identifiers: ClinVar variation 692642 (VCV000692642.1), dbSNP rs1556423121, ClinGen allele CA414783362.